The following is an entry in ClinVar:

NM_005612.5(REST):c.2569A>T (p.Thr857Ser)

Gene: REST (RE1 silencing transcription factor; plus strand). Cytogenetic location: 4q12.
Variant type: single nucleotide variant.
Coding change: c.2569A>T on transcript NM_005612.5 (MANE Select); coding-DNA position 2569, A replaced by T.
Protein change: p.Thr857Ser; replaces threonine 857 with serine.
Molecular consequence: missense variant.
Genome position (GRCh38, 1-based): chr4:56,931,427, A>T. VCF-style: chr4-56931427-A-T. GRCh37 (hg19) VCF-style: chr4-57797593-A-T.
Other names: c.2569A>T, p.Thr857Ser (NM_001193508.2, NM_001363453.3); short protein forms T857S.
Identifiers: ClinVar variation 3944649 (VCV003944649.2).

ClinVar aggregate classification (germline): Uncertain significance. Review status: criteria provided, multiple submitters, no conflicts (2 of 4 stars). 2 submissions from 2 submitters: Uncertain significance (2). Last evaluated 2025-08-02.

Conditions:
Inborn genetic diseases. Identifiers: MedGen C0950123, MeSH D030342.

Submissions (2):

Labcorp Genetics (formerly Invitae), Labcorp
Classification: Uncertain significance. Last evaluated: 2025-08-02. Review status: criteria provided, single submitter. Criteria: Invitae Variant Classification Sherloc (09022015). Collection method: clinical testing. Allele origin: germline.
Comment: This sequence change replaces threonine, which is neutral and polar, with serine, which is neutral and polar, at codon 857 of the REST protein (p.Thr857Ser). This variant is not present in population databases (gnomAD no frequency). This variant has not been reported in the literature in individuals affected with REST-related conditions. ClinVar contains an entry for this variant (Variation ID: 3944649). An algorithm developed to predict the effect of missense changes on protein structure and function outputs the following: PolyPhen-2: "Benign". The serine amino acid residue is found in multiple mammalian species, which suggests that this missense change does not adversely affect protein function. In summary, the available evidence is currently insufficient to determine the role of this variant in disease. Therefore, it has been classified as a Variant of Uncertain Significance.

Ambry Genetics
Classification: Uncertain significance for Inborn genetic diseases. Last evaluated: 2025-06-10. Review status: criteria provided, single submitter. Criteria: Ambry Variant Classification Scheme 2023. Collection method: clinical testing. Allele origin: germline.